The following is an entry in ClinVar:

NM_001166108.2(PALLD):c.1849C>T (p.Arg617Cys)

Gene: PALLD (palladin, cytoskeletal associated protein; plus strand). Cytogenetic location: 4q32.3.
Variant type: single nucleotide variant.
Coding change: c.1849C>T on transcript NM_001166108.2 (MANE Select); coding-DNA position 1849, C replaced by T.
Protein change: p.Arg617Cys; replaces arginine 617 with cysteine.
Molecular consequence: missense variant.
Genome position (GRCh38, 1-based): chr4:168,711,808, C>T. VCF-style: chr4-168711808-C-T. GRCh37 (hg19) VCF-style: chr4-169632959-C-T.
Other names: p.R617C:CGT>TGT; c.703C>T, p.Arg235Cys (NM_001166109.2); c.1849C>T, p.Arg617Cys (NM_016081.4); short protein forms R617C, R235C.
Identifiers: ClinVar variation 128099 (VCV000128099.38), dbSNP rs138283237, ClinGen allele CA288350.

ClinVar aggregate classification (germline): Benign/Likely benign. Review status: criteria provided, multiple submitters, no conflicts (2 of 4 stars). 5 submissions from 5 submitters: Benign (2); Likely benign (3). Last evaluated 2025-12-01.

Conditions:
Pancreatic cancer, susceptibility to, 1. Identifiers: Orphanet 1333, MedGen C1847351, MONDO:0011739, OMIM 606856.

Allele frequency attached by ClinVar (database versions not stated): gnomAD 0.00102; ExAC 0.00154; ESP Exome Variant Server 0.00123; gnomAD exomes 0.00191; TOPMed 0.00132.
gnomAD v4.1: 1,802 of 1,614,068 alleles (0.11%); highest among the groups gnomAD compares: Non-Finnish European, 0.049%; 11 homozygotes.

Submissions (5):

CeGaT Center for Human Genetics Tuebingen
Classification: Benign. Last evaluated: 2025-12-01. Review status: criteria provided, single submitter. Criteria: CeGaT Center For Human Genetics Tuebingen Variant Classification Criteria Version 2. Collection method: clinical testing. Allele origin: germline. Affected: yes. Observed: 4 variant alleles.
Comment: PALLD: BS1, BS2

Ambry Genetics
Classification: Likely benign. Last evaluated: 2024-10-28. Review status: criteria provided, single submitter. Criteria: Ambry Variant Classification Scheme 2023. Collection method: clinical testing. Allele origin: germline.

Illumina Laboratory Services, Illumina
Classification: Benign for Pancreatic cancer, susceptibility to, 1. Last evaluated: 2018-01-13. Review status: criteria provided, single submitter. Criteria: ICSL Variant Classification Criteria 13 December 2019. Collection method: clinical testing. Allele origin: germline.
Comment: This variant was observed in the ICSL laboratory as part of a predisposition screen in an ostensibly healthy population. It had not been previously curated by ICSL or reported in the Human Gene Mutation Database (HGMD: prior to June 1st, 2018), and was therefore a candidate for classification through an automated scoring system. Utilizing variant allele frequency, disease prevalence and penetrance estimates, and inheritance mode, an automated score was calculated to assess if this variant is too frequent to cause the disease. Based on the score and internal cut-off values, a variant classified as benign is not then subjected to further curation. The score for this variant resulted in a classification of benign for this disease.

Labcorp Genetics (formerly Invitae), Labcorp
Classification: Likely benign. Last evaluated: 2016-12-15. Review status: criteria provided, single submitter. Criteria: Invitae Variant Classification Sherloc (09022015). Collection method: clinical testing. Allele origin: germline.

GeneDx
Classification: Likely benign. Last evaluated: 2014-03-13. Review status: criteria provided, single submitter. Criteria: GeneDx Variant Classification (06012015). Collection method: clinical testing. Allele origin: germline. Affected: yes.
Comment: This variant is considered likely benign or benign based on one or more of the following criteria: it is a conservative change, it occurs at a poorly conserved position in the protein, it is predicted to be benign by multiple in silico algorithms, and/or has population frequency not consistent with disease.